The following is an entry in ClinVar:

ClinVar aggregate classification (germline): Pathogenic (1 of 4 stars; one submission).

Conditions:
Neurofibromatosis, type 1 (NF1). Also called: NEUROFIBROMATOSIS, TYPE I, SOMATIC; Neurofibromatosis, type I; VON RECKLINGHAUSEN DISEASE; Peripheral type neurofibromatosis. Identifiers: Orphanet 636, MedGen C0027831, MONDO:0018975, OMIM 162200. Disease mechanism: loss of function.

Submission:

Division of Genomic Medicine, Department of Advanced Medicine, Medical Research Institute, Kanazawa Medical University
Classification: Pathogenic for Neurofibromatosis, type 1. Last evaluated: 2021-02-03. Review status: criteria provided, single submitter. Criteria: ACMG Guidelines, 2015. Collection method: clinical testing. Allele origin: germline. Affected: yes. Observed: 1 variant allele.
Comment: c.1250_1251insTT is absent from controls (PM1). It is judged to be pathogenic according to ACMG Guidelines, 2015.

NM_001042492.3(NF1):c.1250_1251insTT (p.Ile418fs)

Gene: NF1 (neurofibromin 1; plus strand). Cytogenetic location: 17q11.2.
Variant type: Insertion.
Coding change: c.1250_1251insTT on transcript NM_001042492.3 (MANE Select); coding-DNA positions 1250 to 1251, TT inserted.
Protein change: p.Ile418fs; shifts the reading frame from isoleucine 418.
Molecular consequence: frameshift variant.
Genome position: GRCh38 VCF-style: chr17-31201474-A-ATT. GRCh37 (hg19) VCF-style: chr17-29528492-A-ATT.
Other names: c.1250_1251insTT, p.Ile418fs (NM_001128147.3); c.1250_1251insTT, p.Ile418Serfs (NM_000267.4); short protein forms I418fs.
Identifiers: ClinVar variation 1064549 (VCV001064549.1), dbSNP rs2143886864, ClinGen allele CA2499224026.